The following is an entry in ClinVar:

ClinVar aggregate classification (germline): Pathogenic/Likely pathogenic. Review status: criteria provided, multiple submitters, no conflicts (2 of 4 stars). 5 submissions from 5 submitters: Pathogenic (1); Likely pathogenic (4). Last evaluated 2025-12-03.

Conditions:
PYGM-related disorder. Also called: PYGM-related condition.
Glycogen storage disease, type V (GSD5). Also called: MCARDLE DISEASE; MUSCLE GLYCOGEN PHOSPHORYLASE DEFICIENCY; MYOPHOSPHORYLASE DEFICIENCY; PYGM DEFICIENCY; McArdle type glycogen storage disease. Identifiers: Orphanet 368, MedGen C0017924, MONDO:0009293, OMIM 232600.

Allele frequency attached by ClinVar (database versions not stated): gnomAD 0.00001; gnomAD exomes 0.00001; TOPMed 0.00001.
gnomAD v4.1: 12 of 1,613,852 alleles (0.00074%); highest among the groups gnomAD compares: African/African-American, 0.0013%; no homozygotes.

Submissions (5):

Natera, Inc.
Classification: Likely pathogenic for Glycogen storage disease V. Last evaluated: 2025-12-03. Review status: criteria provided, single submitter. Criteria: Natera Variant Classification Schema (03/2026). Collection method: clinical testing. Allele origin: germline.
Comment: The c.2111C>T variant in PYGM is a missense variant predicted to cause substitution of alanine to valine at amino acid 704. This variant is rare in the general population with a frequency below the threshold expected for the associated phenotype(s). This variant has been observed in one or more individuals affected with the associated recessive disease, as either homozygous or compound heterozygous with a second variant (PMID: 17221871, 29143597). Given the available evidence, this variant is classified as Likely Pathogenic.

Labcorp Genetics (formerly Invitae), Labcorp
Classification: Pathogenic for Glycogen storage disease, type V. Last evaluated: 2025-09-16. Review status: criteria provided, single submitter. Criteria: Invitae Variant Classification Sherloc (09022015). Collection method: clinical testing. Allele origin: germline.
Comment: This sequence change replaces alanine, which is neutral and non-polar, with valine, which is neutral and non-polar, at codon 704 of the PYGM protein (p.Ala704Val). This variant is present in population databases (no rsID available, gnomAD 0.006%). This missense change has been observed in individual(s) with McArdle disease (PMID: 17221871, 29143597). ClinVar contains an entry for this variant (Variation ID: 935807). Invitae Evidence Modeling of protein sequence and biophysical properties (such as structural, functional, and spatial information, amino acid conservation, physicochemical variation, residue mobility, and thermodynamic stability) indicates that this missense variant is not expected to disrupt PYGM protein function with a negative predictive value of 80%. Algorithms developed to predict the effect of sequence changes on RNA splicing suggest that this variant may disrupt the consensus splice site. For these reasons, this variant has been classified as Pathogenic.

PreventionGenetics, part of Exact Sciences
Classification: Likely pathogenic for PYGM-related condition. Last evaluated: 2025-09-11. Review status: criteria provided, single submitter. Criteria: ACMG Guidelines, 2015. Collection method: clinical testing. Allele origin: germline.
Comment: The PYGM c.2111C>T variant is predicted to result in the amino acid substitution p.Ala704Val. This variant has been reported, in the homozygous state or in the heterozygous state along with a second causative variant, in individuals with McArdle disease (reported as A703V in Martin et al. 2001. PubMed ID: 11706962; Rubio et al. 2007. PubMed ID: 17221871; Santalla et al. 2017. PubMed ID: 29143597; Garcia-Consuegra et al. 2022. PubMed ID: 35563042). This variant has also been described in a large cohort of individuals with muscular disease (supplementary data, Park et al. 2016. PubMed ID: 27363342). This variant is reported in 0.011% of alleles in individuals of East Asian descent in gnomAD. This variant is classified as likely pathogenic.

Fulgent Genetics
Classification: Likely pathogenic for Glycogen storage disease, type V. Last evaluated: 2024-04-17. Review status: criteria provided, single submitter. Criteria: ACMG Guidelines, 2015. Collection method: clinical testing. Allele origin: germline.

Baylor Genetics
Classification: Likely pathogenic for Glycogen storage disease, type V. Last evaluated: 2024-03-28. Review status: criteria provided, single submitter. Criteria: ACMG Guidelines, 2015. Collection method: clinical testing. Allele origin: unknown.

Literature cited by the submitters: PubMed 17221871 (cited by Natera, Inc. and Labcorp Genetics (formerly Invitae), Labcorp); PubMed 29143597 (cited by Natera, Inc. and Labcorp Genetics (formerly Invitae), Labcorp).

NM_005609.4(PYGM):c.2111C>T (p.Ala704Val)

Gene: PYGM (glycogen phosphorylase, muscle associated; minus strand). Cytogenetic location: 11q13.1.
Variant type: single nucleotide variant.
Coding change: c.2111C>T on transcript NM_005609.4 (MANE Select); coding-DNA position 2111, C replaced by T.
Protein change: p.Ala704Val; replaces alanine 704 with valine.
Molecular consequence: missense variant.
Genome position (GRCh38, 1-based): chr11:64,750,442, G>A on the plus strand (C>T on the coding strand, the complement: PYGM is on the minus strand). VCF-style: chr11-64750442-G-A. GRCh37 (hg19) VCF-style: chr11-64517914-G-A.
Other names: c.1847C>T, p.Ala616Val (NM_001164716.1); short protein forms A616V, A704V.
Identifiers: ClinVar variation 935807 (VCV000935807.12), dbSNP rs1483102315, ClinGen allele CA381167696.
Genomic context (GRCh38, chr11:64,750,442, plus strand): 5'-TGGTCAAGCTTATCCACATCCTCCACCCGCATGCCAAAGATGAAGAAGTTTTCCTCTCCC[G>A]CCTCTTCTGCCATCTCCACATTGGCCCCGTCCATGGTGCCAATGGTCAGAGCCCCGTTGA-3'
Protein context (NP_005600.1, residues 694-714): DGANVEMAEE[Ala704Val]GEENFFIFGM